The following is an entry in ClinVar:

NM_022437.3(ABCG8):c.575T>G (p.Ile192Ser)

Gene: ABCG8 (ATP binding cassette subfamily G member 8; plus strand). Cytogenetic location: 2p21.
Variant type: single nucleotide variant.
Coding change: c.575T>G on transcript NM_022437.3 (MANE Select); coding-DNA position 575, T replaced by G.
Protein change: p.Ile192Ser; replaces isoleucine 192 with serine.
Molecular consequence: missense variant.
Genome position (GRCh38, 1-based): chr2:43,852,367, T>G. VCF-style: chr2-43852367-T-G. GRCh37 (hg19) VCF-style: chr2-44079506-T-G.
Other names: c.575T>G, p.Ile192Ser (NM_001357321.2); short protein forms I192S.
Identifiers: ClinVar variation 3420139 (VCV003420139.3).
Genomic context (GRCh38, chr2:43,852,367, plus strand): 5'-CTGAAGGAGGCCCCTGAGGTGGCCTCAAAGCTCCTTCTGGCCCACAGGTGGAGGACGTGA[T>G]CGCGGAGCTGCGGCTTAGGCAGTGCGCTGACACCCGCGTGGGCAACATGTACGTGCGGGG-3'
Protein context (NP_071882.1, residues 182-202): AQRDKRVEDV[Ile192Ser]AELRLRQCAD

ClinVar aggregate classification (germline): Uncertain significance. Review status: criteria provided, multiple submitters, no conflicts (2 of 4 stars). 2 submissions from 2 submitters: Uncertain significance (2). Last evaluated 2024-10-27.

Conditions:
Cardiovascular phenotype. Identifiers: MedGen CN230736.

gnomAD v4.1: 8 of 1,612,070 alleles (0.0005%); highest among the groups gnomAD compares: Middle Eastern, 0.022%; no homozygotes.

Submissions (2):

Ambry Genetics
Classification: Uncertain significance for Cardiovascular phenotype. Last evaluated: 2024-10-27. Review status: criteria provided, single submitter. Criteria: Ambry Variant Classification Scheme 2023. Collection method: clinical testing. Allele origin: germline.
Comment: The p.I192S variant (also known as c.575T>G), located in coding exon 5 of the ABCG8 gene, results from a T to G substitution at nucleotide position 575. The isoleucine at codon 192 is replaced by serine, an amino acid with dissimilar properties. This amino acid position is conserved. In addition, this alteration is predicted to be deleterious by in silico analysis. Based on the available evidence, the clinical significance of this variant remains unclear.

Labcorp Genetics (formerly Invitae), Labcorp
Classification: Uncertain significance. Last evaluated: 2024-04-15. Review status: criteria provided, single submitter. Criteria: Invitae Variant Classification Sherloc (09022015). Collection method: clinical testing. Allele origin: germline.
Comment: This sequence change replaces isoleucine, which is neutral and non-polar, with serine, which is neutral and polar, at codon 192 of the ABCG8 protein (p.Ile192Ser). This variant is present in population databases (no rsID available, gnomAD 0.002%). This variant has not been reported in the literature in individuals affected with ABCG8-related conditions. Advanced modeling of protein sequence and biophysical properties (such as structural, functional, and spatial information, amino acid conservation, physicochemical variation, residue mobility, and thermodynamic stability) performed at Invitae indicates that this missense variant is expected to disrupt ABCG8 protein function with a positive predictive value of 80%. In summary, the available evidence is currently insufficient to determine the role of this variant in disease. Therefore, it has been classified as a Variant of Uncertain Significance.